The following is an entry in ClinVar:

ClinVar aggregate classification (germline): Conflicting classifications of pathogenicity. Review status: criteria provided, conflicting classifications (1 of 4 stars). 9 submissions from 9 submitters: Uncertain significance (4); Likely benign (4). 1 of the submissions does not count toward it. Last evaluated 2026-03-01.

Conditions:
Fanconi anemia complementation group L (FANCL). Also called: FANCL-Related Fanconi Anemia. Identifiers: Orphanet 84, MedGen C3469528, MONDO:0013566, OMIM 614083.
FANCL-related disorder. Also called: FANCL-related condition.
Fanconi anemia (FA). Also called: Fanconi's anemia. Identifiers: Orphanet 84, MedGen C0015625, MeSH D005199, MONDO:0019391.

Allele frequency attached by ClinVar (database versions not stated): ExAC 0.00046; TOPMed 0.00054; gnomAD 0.00061; ESP Exome Variant Server 0.00092; 1000 Genomes Project 0.00100; 1000 Genomes Project 30x 0.00125.
gnomAD v4.1: 818 of 1,609,506 alleles (0.051%); highest among the groups gnomAD compares: Middle Eastern, 0.12%; 1 homozygote.

Submissions (9):

CeGaT Center for Human Genetics Tuebingen
Classification: Likely benign. Last evaluated: 2026-03-01. Review status: criteria provided, single submitter. Criteria: CeGaT Center For Human Genetics Tuebingen Variant Classification Criteria Version 2. Collection method: clinical testing. Allele origin: germline. Affected: yes. Observed: 1 variant allele.
Comment: FANCL: BP4

Dasa
Classification: Likely benign for Fanconi anemia complementation group L. Last evaluated: 2026-02-02. Review status: criteria provided, single submitter. Criteria: DASA Assertion Criteria. Collection method: clinical testing. Allele origin: germline.
Comment: NM_018062.4(FANCL):c.203G>C (p.Arg68Pro) is a missense variant that results in the substitution of arginine with proline. Observations in unaffected individuals support a benign interpretation, and the variant context is inconsistent with a known disease-causing mechanism. Computational prediction algorithms are consistent with a benign effect. Therefore, based on the currently available evidence, this variant is classified as likely benign.

Labcorp Genetics (formerly Invitae), Labcorp
Classification: Likely benign for Fanconi anemia. Last evaluated: 2026-01-28. Review status: criteria provided, single submitter. Criteria: Invitae Variant Classification Sherloc (09022015). Collection method: clinical testing. Allele origin: germline.

Genetic Services Laboratory, University of Chicago
Classification: Uncertain significance. Last evaluated: 2025-05-14. Review status: criteria provided, single submitter. Criteria: ACMG Guidelines, 2015. Collection method: clinical testing. Allele origin: germline.
Comment: DNA sequence analysis of the FANCL gene demonstrated a sequence change, c.203G>C, in exon 3 that results in an amino acid change, p.Arg68Pro. This sequence change has been described in the gnomAD database with a frequency of 0.40% in the Ashkenazi Jewish subpopulation (dbSNP rs143819820). The p.Arg68Pro change affects a poorly conserved amino acid residue located in a domain of the FANCL protein that is known to be functional. The p.Arg68Pro substitution appears to be benign using several in-silico pathogenicity prediction tools (SIFT, PolyPhen2, Align GVGD, REVEL). This sequence change has been reported as a variant of uncertain significance in two individual with pancreatic ductal carcinoma and a family history of breast cancer (PMID: 2876789). Due to insufficient evidences and the lack of functional studies, the clinical significance of the p.Arg68Pro change remains unknown at this time. Bi-allelic pathogenic variants in the FANCL gene have been identified in individuals with Fanconi anemia [OMIM #614083].

KCCC/NGS Laboratory, Kuwait Cancer Control Center
Classification: Likely benign for Fanconi anemia complementation group L. Last evaluated: 2023-07-07. Review status: criteria provided, single submitter. Criteria: ACMG Guidelines, 2015. Collection method: clinical testing. Allele origin: germline. Affected: yes.

Sema4
Classification: Uncertain significance for Fanconi anemia. Last evaluated: 2021-09-16. Review status: criteria provided, single submitter. Criteria: Sema4 Curation Guidelines. Collection method: curation. Allele origin: germline.
Comment: The FANCL c.203G>C (p.R68P) variant has been reported in at least two individuals with sporadic pancreatic cancer (PMID: 28767289). It was observed in 41/10360 chromosomes, no homozygotes, of the Ashkenazi Jewish subpopulation in the large and broad cohorts of the Genome Aggregation Database (PMID: 32461654). The variant has been reported in ClinVar (Variation ID: 456243). In silico tools suggest the impact of the variant on protein function is benign, though these predictions have not been confirmed by functional studies. There is no indication that this variant causes disease, but the evidence is insufficient currently to prove that conclusively. Thus, the clinical significance of this variant is currently uncertain.

Baylor Genetics
Classification: Uncertain significance for Fanconi anemia complementation group L. Last evaluated: 2019-09-06. Review status: criteria provided, single submitter. Criteria: ACMG Guidelines, 2015. Collection method: clinical testing. Allele origin: unknown. Affected: yes.
Comment: This variant was determined to be of uncertain significance according to ACMG Guidelines, 2015 [PMID:25741868].

Illumina Laboratory Services, Illumina
Classification: Uncertain significance for Fanconi anemia complementation group L. Last evaluated: 2018-01-12. Review status: criteria provided, single submitter. Criteria: ICSL Variant Classification Criteria 13 December 2019. Collection method: clinical testing. Allele origin: germline.

PreventionGenetics, part of Exact Sciences
Classification: Likely benign for FANCL-related condition. Last evaluated: 2024-01-28. Review status: no assertion criteria provided. Collection method: clinical testing. Allele origin: germline. Not counted in ClinVar's aggregate classification.
Comment: This variant is classified as likely benign based on ACMG/AMP sequence variant interpretation guidelines (Richards et al. 2015 PMID: 25741868, with internal and published modifications).

Literature cited by the submitters: PubMed 28767289 (cited by Sema4).

NM_018062.4(FANCL):c.203G>C (p.Arg68Pro)

Gene: FANCL (FA complementation group L; minus strand). Cytogenetic location: 2p16.1.
Variant type: single nucleotide variant.
Coding change: c.203G>C on transcript NM_018062.4 (MANE Select); coding-DNA position 203, G replaced by C.
Protein change: p.Arg68Pro; replaces arginine 68 with proline.
Molecular consequence: missense variant.
Genome position (GRCh38, 1-based): chr2:58,229,827, C>G on the plus strand (G>C on the coding strand, the complement: FANCL is on the minus strand). VCF-style: chr2-58229827-C-G. GRCh37 (hg19) VCF-style: chr2-58456962-C-G.
Other names: c.203G>C, p.Arg68Pro (NM_001114636.2, NM_001374615.1, NM_001410792.1); short protein forms R68P.
Identifiers: ClinVar variation 456243 (VCV000456243.29), dbSNP rs143819820, ClinGen allele CA1670757.
Genomic context (GRCh38, chr2:58,229,827, plus strand): 5'-AATTTCTTATCTTCACTGAAAACATAAACCTTTTAAAAAGGACTTACCTGTTGTACTATT[C>G]GATGGTATCCACTAAGTATTGTTCTCAGCTGCCAACTACATAATAATCTAAAATTTTAAT-3'
Protein context (NP_060532.2, residues 58-78): QLRTILSGYH[Arg68Pro]IVQQRMQHSP